The following is an entry in ClinVar:

NM_000059.4(BRCA2):c.2596_2599del (p.Glu866fs)

Gene: BRCA2 (BRCA2 DNA repair associated; plus strand). Cytogenetic location: 13q13.1.
Variant type: Deletion.
Coding change: c.2596_2599del on transcript NM_000059.4 (MANE Select); coding-DNA positions 2596 to 2599, 4 bases deleted (GAAA; older notation c.2596_2599delGAAA).
Protein change: p.Glu866fs; shifts the reading frame from glutamic acid 866.
Molecular consequence: frameshift variant.
Genome position (GRCh38, 1-based): chr13:32,336,951-32,336,954, GAAA deleted; deleting any 4 consecutive bases within chr13:32,336,949-32,336,954 gives the same sequence; the c. name uses the placement nearest the transcript's 3' end. VCF-style (leftmost placement, unchanged base first): chr13-32336948-GAAGA-G. GRCh37 (hg19) VCF-style: chr13-32911085-GAAGA-G.
Other names: c.2596_2599delGAAA (NM_000059.3); short protein forms E866fs.
Identifiers: ClinVar variation 51311 (VCV000051311.3), dbSNP rs397507633, ClinGen allele CA015758.

ClinVar aggregate classification (germline): Pathogenic. Review status: reviewed by expert panel (3 of 4 stars). 2 submissions from 2 submitters: Pathogenic (1). 1 of the submissions does not count toward it. Last evaluated 2017-12-15.

Conditions:
Breast-ovarian cancer, familial, susceptibility to, 2 (BROVCA2). Also called: BRCA2 Hereditary Breast and Ovarian Cancer. Identifiers: Orphanet 145, MedGen C2675520, MONDO:0012933, OMIM 612555. Disease mechanism: loss of function.
Familial cancer of breast. Also called: BREAST CANCER, FAMILIAL; Hereditary breast cancer; hereditary breast carcinoma. Identifiers: Orphanet 227535, MedGen C0346153, MONDO:0016419, OMIM 114480. Disease mechanism: loss of function.

Submissions (2):

Evidence-based Network for the Interpretation of Germline Mutant Alleles (ENIGMA)
Classification: Pathogenic for Breast-ovarian cancer, familial, susceptibility to, 2. Last evaluated: 2017-12-15. Review status: reviewed by expert panel. Criteria: ENIGMA BRCA1/2 Classification Criteria (2017-06-29). Collection method: curation. Allele origin: germline. Study: ENIGMA.
Comment: Variant allele predicted to encode a truncated non-functional protein.

ClinVar Staff, National Center for Biotechnology Information (NCBI)
No classification provided. Condition: Familial cancer of breast. Review status: no classification provided. Collection method: literature only. Allele origin: germline. Affected: yes. Not counted in ClinVar's aggregate classification.

Literature cited by the submitters: PubMed 18006916 (cited by ClinVar Staff, National Center for Biotechnology Information (NCBI)).